The following is an entry in ClinVar:

NM_001012614.2(CTBP1):c.-208C>T

Genes: CTBP1 (C-terminal binding protein 1; minus strand), LOC129991984 (ATAC-STARR-seq lymphoblastoid silent region 15125; plus strand). Cytogenetic location: 4p16.3.
Variant type: single nucleotide variant.
Coding change: c.-208C>T on transcript NM_001012614.2 (MANE Select); 208 bases upstream of the start codon, C replaced by T.
Molecular consequence: 5 prime UTR variant. On other transcripts: synonymous variant (2), intron variant (4).
Genome position (GRCh38, 1-based): chr4:1,248,935, G>A on the plus strand (C>T on the coding strand, the complement: CTBP1 is on the minus strand). VCF-style: chr4-1248935-G-A. GRCh37 (hg19) VCF-style: chr4-1242723-G-A.
Other names: c.21C>T, p.Leu7= (NM_001328.3, NM_001377186.1); c.-208C>T (NM_001377187.1); c.-189+1225C>T (NM_001377192.1, NM_001377189.1); c.-189+714C>T (NM_001377193.1, NM_001377190.1).
Identifiers: ClinVar variation 2984389 (VCV002984389.9), dbSNP rs748228727, ClinGen allele CA91193641.
Genomic context (GRCh38, chr4:1,248,935, plus strand): 5'-CCCCCGCCCGCGGCCGGAAACGCGCGCGCGCGCGGCCTTACCAAGCGGCAGGCCCTTGTT[G>A]AGCAAGTGCGAGCTGCCCATCGAGAGGCGCGAGCGGCCGCGGGCCCCGACCACTCCGGCG-3'

ClinVar aggregate classification (germline): Likely benign. Review status: criteria provided, multiple submitters, no conflicts (2 of 4 stars). 2 submissions from 2 submitters: Likely benign (2). Last evaluated 2025-11-01.

Allele frequency attached by ClinVar (database versions not stated): gnomAD 0.00002; TOPMed 0.00003.
gnomAD v4.1: 41 of 1,010,654 alleles (0.0041%); highest among the groups gnomAD compares: Non-Finnish European, 0.0049%; no homozygotes.

Submissions (2):

CeGaT Center for Human Genetics Tuebingen
Classification: Likely benign. Last evaluated: 2025-11-01. Review status: criteria provided, single submitter. Criteria: CeGaT Center For Human Genetics Tuebingen Variant Classification Criteria Version 2. Collection method: clinical testing. Allele origin: germline. Affected: yes. Observed: 1 variant allele.
Comment: CTBP1: BP4, BP7

Labcorp Genetics (formerly Invitae), Labcorp
Classification: Likely benign. Last evaluated: 2023-10-23. Review status: criteria provided, single submitter. Criteria: Invitae Variant Classification Sherloc (09022015). Collection method: clinical testing. Allele origin: germline.